The following is an entry in ClinVar:

NM_000372.5(TYR):c.178C>T (p.Leu60=)

Gene: TYR (tyrosinase; plus strand). Cytogenetic location: 11q14.3.
Variant type: single nucleotide variant.
Coding change: c.178C>T on transcript NM_000372.5 (MANE Select); coding-DNA position 178, C replaced by T.
Protein change: p.Leu60=; no amino-acid change (leucine 60 retained).
Molecular consequence: synonymous variant.
Genome position (GRCh38, 1-based): chr11:89,178,131, C>T. VCF-style: chr11-89178131-C-T. GRCh37 (hg19) VCF-style: chr11-88911299-C-T.
Identifiers: ClinVar variation 255957 (VCV000255957.19), dbSNP rs1939260, ClinGen allele CA6221056.

ClinVar aggregate classification (germline): Benign. Review status: criteria provided, multiple submitters, no conflicts (2 of 4 stars). 5 submissions from 5 submitters: Benign (5). Last evaluated 2026-01-31.

Conditions:
Oculocutaneous albinism. Identifiers: Orphanet 55, MedGen C0078918, MONDO:0018910.

Allele frequency attached by ClinVar (database versions not stated): gnomAD exomes 0.00154 and 0.00388; ExAC 0.00454; 1000 Genomes Project 0.01278; 1000 Genomes Project 30x 0.01296; gnomAD 0.01429 and 0.01556; TOPMed 0.01561; ESP Exome Variant Server 0.01715.
gnomAD v4.1: 4,485 of 1,614,206 alleles (0.28%); highest among the groups gnomAD compares: African/African-American, 5.1%; 106 homozygotes.

Submissions (5):

Labcorp Genetics (formerly Invitae), Labcorp
Classification: Benign. Last evaluated: 2026-01-31. Review status: criteria provided, single submitter. Criteria: Invitae Variant Classification Sherloc (09022015). Collection method: clinical testing. Allele origin: germline.

GeneDx
Classification: Benign. Last evaluated: 2021-05-05. Review status: criteria provided, single submitter. Criteria: GeneDx Variant Classification Process June 2021. Collection method: clinical testing. Allele origin: germline. Affected: yes.

Illumina Laboratory Services, Illumina
Classification: Benign for Oculocutaneous albinism. Last evaluated: 2018-01-13. Review status: criteria provided, single submitter. Criteria: ICSL Variant Classification Criteria 13 December 2019. Collection method: clinical testing. Allele origin: germline.
Comment: This variant was observed in the ICSL laboratory as part of a predisposition screen in an ostensibly healthy population. It had not been previously curated by ICSL or reported in the Human Gene Mutation Database (HGMD: prior to June 1st, 2018), and was therefore a candidate for classification through an automated scoring system. Utilizing variant allele frequency, disease prevalence and penetrance estimates, and inheritance mode, an automated score was calculated to assess if this variant is too frequent to cause the disease. Based on the score and internal cut-off values, a variant classified as benign is not then subjected to further curation. The score for this variant resulted in a classification of benign for this disease.

Breakthrough Genomics
Classification: Benign. Review status: criteria provided, single submitter. Criteria: ACMG Guidelines, 2015. Collection method: not provided. Allele origin: germline. Inheritance: Autosomal recessive inheritance. Affected: yes.

PreventionGenetics, part of Exact Sciences
Classification: Benign. Review status: criteria provided, single submitter. Criteria: ACMG Guidelines, 2015. Collection method: clinical testing. Allele origin: germline.